The following is an entry in ClinVar:

NM_031229.4(RBCK1):c.808C>G (p.Gln270Glu)

Gene: RBCK1 (RANBP2-type and C3HC4-type zinc finger containing 1; plus strand). Cytogenetic location: 20p13.
Variant type: single nucleotide variant.
Coding change: c.808C>G on transcript NM_031229.4 (MANE Select); coding-DNA position 808, C replaced by G.
Protein change: p.Gln270Glu; replaces glutamine 270 with glutamic acid.
Molecular consequence: missense variant. On other transcripts: non-coding transcript variant (1), intron variant (2).
Genome position (GRCh38, 1-based): chr20:420,922, C>G. VCF-style: chr20-420922-C-G. GRCh37 (hg19) VCF-style: chr20-401566-C-G.
Other names: c.682C>G, p.Gln228Glu (NM_006462.6); c.407+1191C>G (NM_001323956.2, NM_001323958.2); c.808C>G (NM_031229.2); short protein forms Q228E, Q270E.
Identifiers: ClinVar variation 665412 (VCV000665412.4), dbSNP rs201645896, ClinGen allele CA9723200.

ClinVar aggregate classification (germline): Uncertain significance. Review status: criteria provided, multiple submitters, no conflicts (2 of 4 stars). 2 submissions from 2 submitters: Uncertain significance (2). Last evaluated 2023-11-21.

Conditions:
Inborn genetic diseases. Identifiers: MedGen C0950123, MeSH D030342.
Polyglucosan body myopathy type 1 (PGBM1). Also called: POLYGLUCOSAN BODY MYOPATHY WITHOUT IMMUNODEFICIENCY; Polyglucosan body myopathy 1 with or without immunodeficiency. Identifiers: Orphanet 329173, Orphanet 397937, MedGen C4014605, MONDO:0014389, OMIM 615895.

Allele frequency attached by ClinVar (database versions not stated): gnomAD 0.00005; TOPMed 0.00005; gnomAD exomes 0.00009 and 0.00013; ESP Exome Variant Server 0.00016; ExAC 0.00023.
gnomAD v4.1: 188 of 1,555,296 alleles (0.012%); highest among the groups gnomAD compares: Non-Finnish European, 0.014%; no homozygotes.

Submissions (2):

Ambry Genetics
Classification: Uncertain significance for Inborn genetic diseases. Last evaluated: 2023-11-21. Review status: criteria provided, single submitter. Criteria: Ambry Variant Classification Scheme 2023. Collection method: clinical testing. Allele origin: germline.

Labcorp Genetics (formerly Invitae), Labcorp
Classification: Uncertain significance for Polyglucosan body myopathy type 1. Last evaluated: 2022-04-22. Review status: criteria provided, single submitter. Criteria: Invitae Variant Classification Sherloc (09022015). Collection method: clinical testing. Allele origin: germline.
Comment: This sequence change replaces glutamine, which is neutral and polar, with glutamic acid, which is acidic and polar, at codon 270 of the RBCK1 protein (p.Gln270Glu). This variant is present in population databases (rs201645896, gnomAD 0.03%). This variant has not been reported in the literature in individuals affected with RBCK1-related conditions. ClinVar contains an entry for this variant (Variation ID: 665412). Algorithms developed to predict the effect of missense changes on protein structure and function are either unavailable or do not agree on the potential impact of this missense change (SIFT: "Not Available"; PolyPhen-2: "Benign"; Align-GVGD: "Not Available"). In summary, the available evidence is currently insufficient to determine the role of this variant in disease. Therefore, it has been classified as a Variant of Uncertain Significance.